The following is an entry in ClinVar:

NM_032273.4(TMEM126A):c.193A>G (p.Ile65Val)

Gene: TMEM126A (transmembrane protein 126A; plus strand). Cytogenetic location: 11q14.1.
Variant type: single nucleotide variant.
Coding change: c.193A>G on transcript NM_032273.4 (MANE Select); coding-DNA position 193, A replaced by G.
Protein change: p.Ile65Val; replaces isoleucine 65 with valine.
Molecular consequence: missense variant. On other transcripts: 5 prime UTR variant (1).
Genome position (GRCh38, 1-based): chr11:85,654,169, A>G. VCF-style: chr11-85654169-A-G. GRCh37 (hg19) VCF-style: chr11-85365213-A-G.
Other names: c.-18A>G (NM_001244735.2); short protein forms I65V.
Identifiers: ClinVar variation 948050 (VCV000948050.9), dbSNP rs1448355363, ClinGen allele CA381996088.

ClinVar aggregate classification (germline): Uncertain significance (1 of 4 stars; one submission).

Allele frequency attached by ClinVar (database versions not stated): gnomAD exomes below 0.00001 and 0.00001; TOPMed below 0.00001; gnomAD 0.00001.
gnomAD v4.1: 8 of 1,614,114 alleles (0.0005%); highest among the groups gnomAD compares: South Asian, 0.0055%; no homozygotes.

Submission:

Labcorp Genetics (formerly Invitae), Labcorp
Classification: Uncertain significance. Last evaluated: 2022-03-31. Review status: criteria provided, single submitter. Criteria: Invitae Variant Classification Sherloc (09022015). Collection method: clinical testing. Allele origin: germline.
Comment: This sequence change replaces isoleucine, which is neutral and non-polar, with valine, which is neutral and non-polar, at codon 65 of the TMEM126A protein (p.Ile65Val). This variant is present in population databases (no rsID available, gnomAD 0.007%). This variant has not been reported in the literature in individuals affected with TMEM126A-related conditions. ClinVar contains an entry for this variant (Variation ID: 948050). Algorithms developed to predict the effect of missense changes on protein structure and function output the following: SIFT: "Tolerated"; PolyPhen-2: "Benign"; Align-GVGD: "Class C0". The valine amino acid residue is found in multiple mammalian species, which suggests that this missense change does not adversely affect protein function. In summary, the available evidence is currently insufficient to determine the role of this variant in disease. Therefore, it has been classified as a Variant of Uncertain Significance.